The following is an entry in ClinVar:

ClinVar aggregate classification (germline): Pathogenic (1 of 4 stars; one submission).

gnomAD v4.1: 2 of 1,606,380 alleles (0.00012%); highest among the groups gnomAD compares: East Asian, 0.0045%; no homozygotes.

Submission:

Labcorp Genetics (formerly Invitae), Labcorp
Classification: Pathogenic. Last evaluated: 2026-01-12. Review status: criteria provided, single submitter. Criteria: Invitae Variant Classification Sherloc (09022015). Collection method: clinical testing. Allele origin: germline.
Comment: This sequence change creates a premature translational stop signal (p.Trp1681*) in the TNXB gene. It is expected to result in an absent or disrupted protein product. Loss-of-function variants in TNXB are known to be pathogenic (PMID: 9288108, 11642233). This variant is present in population databases (rs572158740, gnomAD 0.006%). This variant has not been reported in the literature in individuals affected with TNXB-related conditions. For these reasons, this variant has been classified as Pathogenic.

Literature cited by the submitters: PubMed 9288108; PubMed 11642233.

NM_001365276.2(TNXB):c.5043G>A (p.Trp1681Ter)

Gene: TNXB (tenascin XB; minus strand). Cytogenetic location: 6p21.33.
Variant type: single nucleotide variant.
Coding change: c.5043G>A on transcript NM_001365276.2 (MANE Select); coding-DNA position 5043, G replaced by A.
Protein change: p.Trp1681Ter; replaces tryptophan 1681 with a stop codon.
Molecular consequence: nonsense.
Genome position (GRCh38, 1-based): chr6:32,070,362, C>T on the plus strand (G>A on the coding strand, the complement: TNXB is on the minus strand). VCF-style: chr6-32070362-C-T. GRCh37 (hg19) VCF-style: chr6-32038139-C-T.
Other names: c.5784G>A, p.Trp1928Ter (NM_001428335.1); c.5043G>A, p.Trp1681Ter (NM_019105.8); short protein forms W1681*, W1928*.
Identifiers: ClinVar variation 4735213 (VCV004735213.1).